The following is an entry in ClinVar:

ClinVar aggregate classification (germline): Conflicting classifications of pathogenicity. Review status: criteria provided, conflicting classifications (1 of 4 stars). 4 submissions from 4 submitters: Uncertain significance (1); Likely benign (2). 1 of the submissions does not count toward it. Last evaluated 2025-11-03.

Conditions:
Ullrich congenital muscular dystrophy 2 (UCMD2). Identifiers: Orphanet 75840, MedGen C4225314, MONDO:0014654, OMIM 616470.
Bethlem myopathy 2 (BTHLM2). Identifiers: Orphanet 536516, Orphanet 610, MedGen C4225313, MONDO:0034022, OMIM 616471.
COL12A1-related disorder. Also called: COL12A1-related condition.

Allele frequency attached by ClinVar (database versions not stated): gnomAD exomes below 0.00001 and 0.00001; TOPMed below 0.00001; ExAC 0.00001; gnomAD 0.00001.
gnomAD v4.1: 7 of 1,613,946 alleles (0.00043%); highest among the groups gnomAD compares: African/African-American, 0.0013%; no homozygotes.

Submissions (4):

Women's Health and Genetics/Laboratory Corporation of America, LabCorp
Classification: Likely benign. Last evaluated: 2025-11-03. Review status: criteria provided, single submitter. Criteria: LabCorp Variant Classification Summary - May 2015. Collection method: clinical testing. Allele origin: germline.

Labcorp Genetics (formerly Invitae), Labcorp
Classification: Likely benign for Bethlem myopathy 2; Ullrich congenital muscular dystrophy 2. Last evaluated: 2025-10-27. Review status: criteria provided, single submitter. Criteria: Invitae Variant Classification Sherloc (09022015). Collection method: clinical testing. Allele origin: germline.

GeneDx
Classification: Uncertain significance. Last evaluated: 2019-09-20. Review status: criteria provided, single submitter. Criteria: GeneDx Variant Classification Process June 2021. Collection method: clinical testing. Allele origin: germline. Affected: yes.
Comment: Has not been previously published as pathogenic or benign to our knowledge; Not observed at a significant frequency in large population cohorts (Lek et al., 2016); In silico analysis, which includes splice predictors and evolutionary conservation, suggests this variant may impact gene splicing. In the absence of RNA/functional studies, the actual effect of this sequence change is unknown.

PreventionGenetics, part of Exact Sciences
Classification: Likely benign for COL12A1-related condition. Last evaluated: 2024-03-03. Review status: no assertion criteria provided. Collection method: clinical testing. Allele origin: germline. Not counted in ClinVar's aggregate classification.
Comment: This variant is classified as likely benign based on ACMG/AMP sequence variant interpretation guidelines (Richards et al. 2015 PMID: 25741868, with internal and published modifications).

NM_004370.6(COL12A1):c.5187T>A (p.Pro1729=)

Gene: COL12A1 (collagen type XII alpha 1 chain; minus strand). Cytogenetic location: 6q13.
Variant type: single nucleotide variant.
Coding change: c.5187T>A on transcript NM_004370.6 (MANE Select); coding-DNA position 5187, T replaced by A.
Protein change: p.Pro1729=; no amino-acid change (proline 1729 retained).
Molecular consequence: synonymous variant.
Genome position (GRCh38, 1-based): chr6:75,138,491, A>T on the plus strand (T>A on the coding strand, the complement: COL12A1 is on the minus strand). VCF-style: chr6-75138491-A-T. GRCh37 (hg19) VCF-style: chr6-75848207-A-T.
Other names: c.1695T>A, p.Pro565= (NM_080645.3).
Identifiers: ClinVar variation 946057 (VCV000946057.13), dbSNP rs763294691, ClinGen allele CA3893234.
Genomic context (GRCh38, chr6:75,138,491, plus strand): 5'-GAAAGCTAAACACCTACGTGTGCGCTCACTGCCAATCAGGTCATCACTTTCTGACTCATC[A>T]GGATAGATGGCAGTAATGGAAACTTCATAGATGGTGTTGGGGTTCAGGTTTTCGAACACC-3'
Protein context (NP_004361.3, residues 1719-1739): IYEVSITAIY[Pro1729=]DESESDDLIG